The following is an entry in ClinVar:

NM_001267550.2(TTN):c.96089C>A (p.Ala32030Asp)

Genes: TTN (titin; minus strand), TTN-AS1 (TTN antisense RNA 1; plus strand), LOC126806421 (CDK7 strongly-dependent group 2 enhancer GRCh37_chr2:179407630-179408829; plus strand). Cytogenetic location: 2q31.2.
Variant type: single nucleotide variant.
Coding change: c.96089C>A on transcript NM_001267550.2 (MANE Select); coding-DNA position 96089, C replaced by A.
Protein change: p.Ala32030Asp; replaces alanine 32030 with aspartic acid.
Molecular consequence: missense variant.
Genome position (GRCh38, 1-based): chr2:178,544,055, G>T on the plus strand (C>A on the coding strand, the complement: TTN is on the minus strand). VCF-style: chr2-178544055-G-T. GRCh37 (hg19) VCF-style: chr2-179408782-G-T.
Other names: c.91166C>A, p.Ala30389Asp (NM_001256850.1); c.68894C>A, p.Ala22965Asp (NM_003319.4); c.88385C>A, p.Ala29462Asp (NM_133378.4); c.69269C>A, p.Ala23090Asp (NM_133432.3); c.69470C>A, p.Ala23157Asp (NM_133437.4); short protein forms A23090D, A29462D, A23157D, A30389D, A22965D, A32030D.
Identifiers: ClinVar variation 1755974 (VCV001755974.2), dbSNP rs781660295, ClinGen allele CA349453796.

ClinVar aggregate classification (germline): Uncertain significance (1 of 4 stars; one submission).

Conditions:
Cardiovascular phenotype. Identifiers: MedGen CN230736.

Allele frequency attached by ClinVar (database versions not stated): TOPMed below 0.00001; gnomAD 0.00001.
gnomAD v4.1: 1 of 1,613,380 alleles (0.000062%); highest among the groups gnomAD compares: Non-Finnish European, 0.000085%; no homozygotes.

Submission:

Ambry Genetics
Classification: Uncertain significance for Cardiovascular phenotype. Last evaluated: 2018-11-23. Review status: criteria provided, single submitter. Criteria: Ambry Variant Classification Scheme 2023. Collection method: clinical testing. Allele origin: germline.
Comment: The p.A22965D variant (also known as c.68894C>A), located in coding exon 173 of the TTN gene, results from a C to A substitution at nucleotide position 68894. The alanine at codon 22965 is replaced by aspartic acid, an amino acid with dissimilar properties. This amino acid position is not well conserved in available vertebrate species. In addition, this alteration is predicted to be tolerated by in silico analysis. Since supporting evidence is limited at this time, the clinical significance of this alteration remains unclear.